The following is an entry in ClinVar:

ClinVar aggregate classification (germline): Uncertain significance. Review status: criteria provided, multiple submitters, no conflicts (2 of 4 stars). 2 submissions from 2 submitters: Uncertain significance (2). Last evaluated 2024-11-17.

Conditions:
Cardiovascular phenotype. Identifiers: MedGen CN230736.
Hypercholesterolemia, autosomal dominant, type B (FHCL2). Also called: APOB-Related Familial Hypercholesterolemia, Autosomal Dominant; Familial Hypercholesterolemia Type B; APOLIPOPROTEIN B-100, FAMILIAL DEFECTIVE; APOLIPOPROTEIN B-100, FAMILIAL LIGAND-DEFECTIVE; HYPERCHOLESTEROLEMIA, FAMILIAL, DUE TO LIGAND-DEFECTIVE APOLIPOPROTEIN B; Hyperlipoproteinemia Type IIb. Identifiers: MedGen C1704417, MONDO:0007751, OMIM 144010.
Familial hypobetalipoproteinemia 1. Also called: Hypobetalipoproteinemia, normotriglyceridemic; Acanthocytosis with hypobetalipoproteinemia; APOB-Related Familial Hypobetalipoproteinemia. Identifiers: MedGen C4551990, MONDO:0014252, OMIM 615558.

Allele frequency attached by ClinVar (database versions not stated): gnomAD exomes below 0.00001; gnomAD 0.00001.
gnomAD v4.1: 6 of 1,600,952 alleles (0.00037%); highest among the groups gnomAD compares: Admixed American, 0.0017%; no homozygotes.

Submissions (2):

Ambry Genetics
Classification: Uncertain significance for Cardiovascular phenotype. Last evaluated: 2024-11-17. Review status: criteria provided, single submitter. Criteria: Ambry Variant Classification Scheme 2023. Collection method: clinical testing. Allele origin: germline.
Comment: The p.V4344G variant (also known as c.13031T>G), located in coding exon 29 of the APOB gene, results from a T to G substitution at nucleotide position 13031. The valine at codon 4344 is replaced by glycine, an amino acid with dissimilar properties. This amino acid position is conserved. In addition, this alteration is predicted to be tolerated by in silico analysis. Based on the available evidence, the clinical significance of this variant remains unclear.

Labcorp Genetics (formerly Invitae), Labcorp
Classification: Uncertain significance for Familial hypobetalipoproteinemia 1; Hypercholesterolemia, autosomal dominant, type B. Last evaluated: 2022-12-14. Review status: criteria provided, single submitter. Criteria: Invitae Variant Classification Sherloc (09022015). Collection method: clinical testing. Allele origin: germline.
Comment: In summary, the available evidence is currently insufficient to determine the role of this variant in disease. Therefore, it has been classified as a Variant of Uncertain Significance. Advanced modeling of protein sequence and biophysical properties (such as structural, functional, and spatial information, amino acid conservation, physicochemical variation, residue mobility, and thermodynamic stability) performed at Invitae indicates that this missense variant is not expected to disrupt APOB protein function. This variant has not been reported in the literature in individuals affected with APOB-related conditions. This variant is not present in population databases (gnomAD no frequency). This sequence change replaces valine, which is neutral and non-polar, with glycine, which is neutral and non-polar, at codon 4344 of the APOB protein (p.Val4344Gly).

NM_000384.3(APOB):c.13031T>G (p.Val4344Gly)

Gene: APOB (apolipoprotein B; minus strand). Cytogenetic location: 2p24.1.
Variant type: single nucleotide variant.
Coding change: c.13031T>G on transcript NM_000384.3 (MANE Select); coding-DNA position 13031, T replaced by G.
Protein change: p.Val4344Gly; replaces valine 4344 with glycine.
Molecular consequence: missense variant.
Genome position (GRCh38, 1-based): chr2:21,002,391, A>C on the plus strand (T>G on the coding strand, the complement: APOB is on the minus strand). VCF-style: chr2-21002391-A-C. GRCh37 (hg19) VCF-style: chr2-21225263-A-C.
Other names: c.13031T>G (NM_000384.2); short protein forms V4344G.
Identifiers: ClinVar variation 2926072 (VCV002926072.4), dbSNP rs1663006964, ClinGen allele CA345969735.